The following is an entry in ClinVar:

NM_201253.3(CRB1):c.635G>C (p.Cys212Ser)

Gene: CRB1 (crumbs cell polarity complex component 1; plus strand). Cytogenetic location: 1q31.3.
Variant type: single nucleotide variant.
Coding change: c.635G>C on transcript NM_201253.3 (MANE Select); coding-DNA position 635, G replaced by C.
Protein change: p.Cys212Ser; replaces cysteine 212 with serine.
Molecular consequence: missense variant. On other transcripts: non-coding transcript variant (2).
Genome position (GRCh38, 1-based): chr1:197,328,986, G>C. VCF-style: chr1-197328986-G-C. GRCh37 (hg19) VCF-style: chr1-197298116-G-C.
Other names: c.635G>C, p.Cys212Ser (NM_001193640.2, NM_001257966.2); c.428G>C, p.Cys143Ser (NM_001257965.2); short protein forms C143S, C212S.
Identifiers: ClinVar variation 1722075 (VCV001722075.5), dbSNP rs1658699227, ClinGen allele CA344081725.
Genomic context (GRCh38, chr1:197,328,986, plus strand): 5'-CAGATCCCTGCAAGAACGAGGCTACATGCCTCAATGAAATAGGAAGATATACTTGTATCT[G>C]TCCCCACAATTATTCTGGTAAGTGTGATCATATCTGAATCACAGATGGTGTAGTTAGCTC-3'
Protein context (NP_957705.1, residues 202-222): LNEIGRYTCI[Cys212Ser]PHNYSGVNCE

ClinVar aggregate classification (germline): Uncertain significance (1 of 4 stars; one submission).

Conditions:
Leber congenital amaurosis 8 (LCA8). Identifiers: Orphanet 65, MedGen C3151202, MONDO:0013453, OMIM 613835.
Retinitis pigmentosa 12 (RP12). Also called: RP WITH OR WITHOUT PPRPE; RP WITH OR WITHOUT PRESERVED PARAARTERIOLE RETINAL PIGMENT EPITHELIUM; RETINITIS PIGMENTOSA WITH OR WITHOUT PARAARTERIOLAR PRESERVATION OF RETINAL PIGMENT EPITHELIUM. Identifiers: Orphanet 791, MedGen C1838647, MONDO:0010818, OMIM 600105.

Submission:

Labcorp Genetics (formerly Invitae), Labcorp
Classification: Uncertain significance for Leber congenital amaurosis 8; Retinitis pigmentosa 12. Last evaluated: 2022-10-23. Review status: criteria provided, single submitter. Criteria: Invitae Variant Classification Sherloc (09022015). Collection method: clinical testing. Allele origin: germline.
Comment: In summary, the available evidence is currently insufficient to determine the role of this variant in disease. Therefore, it has been classified as a Variant of Uncertain Significance. Advanced modeling of protein sequence and biophysical properties (such as structural, functional, and spatial information, amino acid conservation, physicochemical variation, residue mobility, and thermodynamic stability) performed at Invitae indicates that this missense variant is expected to disrupt CRB1 protein function. This variant has not been reported in the literature in individuals affected with CRB1-related conditions. This variant is not present in population databases (gnomAD no frequency). This sequence change replaces cysteine, which is neutral and slightly polar, with serine, which is neutral and polar, at codon 212 of the CRB1 protein (p.Cys212Ser).